The following is an entry in ClinVar:

ClinVar aggregate classification (germline): Uncertain significance. Review status: criteria provided, multiple submitters, no conflicts (2 of 4 stars). 3 submissions from 3 submitters: Uncertain significance (3). Last evaluated 2025-01-14.

Conditions:
Ataxia-telangiectasia syndrome (AT). Also called: LOUIS-BAR SYNDROME; Cerebello-oculocutaneous telangiectasia; Immunodeficiency with ataxia telangiectasia; Ataxia telangiectasia (A-T); Ataxia-telangiectasia, complementation group D; AT, COMPLEMENTATION GROUP C. Identifiers: Orphanet 100, MedGen C0004135, MONDO:0008840, OMIM 208900.
Familial cancer of breast. Also called: BREAST CANCER, FAMILIAL; Hereditary breast cancer; hereditary breast carcinoma. Identifiers: Orphanet 227535, MedGen C0346153, MONDO:0016419, OMIM 114480. Disease mechanism: loss of function.

Allele frequency attached by ClinVar (database versions not stated): gnomAD exomes below 0.00001.
gnomAD v4.1: 1 of 1,614,044 alleles (0.000062%); highest among the groups gnomAD compares: Non-Finnish European, 0.000085%; no homozygotes.

Submissions (3):

Quest Diagnostics Nichols Institute San Juan Capistrano
Classification: Uncertain significance. Last evaluated: 2025-01-14. Review status: criteria provided, single submitter. Criteria: Quest Diagnostics criteria. Collection method: clinical testing. Allele origin: unknown.

Baylor Genetics
Classification: Uncertain significance for Familial cancer of breast. Last evaluated: 2023-07-12. Review status: criteria provided, single submitter. Criteria: ACMG Guidelines, 2015. Collection method: clinical testing. Allele origin: unknown.

Labcorp Genetics (formerly Invitae), Labcorp
Classification: Uncertain significance for Ataxia-telangiectasia syndrome. Last evaluated: 2021-10-09. Review status: criteria provided, single submitter. Criteria: Invitae Variant Classification Sherloc (09022015). Collection method: clinical testing. Allele origin: germline.
Comment: In summary, the available evidence is currently insufficient to determine the role of this variant in disease. Therefore, it has been classified as a Variant of Uncertain Significance. Advanced modeling of protein sequence and biophysical properties (such as structural, functional, and spatial information, amino acid conservation, physicochemical variation, residue mobility, and thermodynamic stability) performed at Invitae indicates that this missense variant is expected to disrupt ATM protein function. This variant has not been reported in the literature in individuals affected with ATM-related conditions. This variant is not present in population databases (ExAC no frequency). This sequence change replaces lysine with glutamic acid at codon 2898 of the ATM protein (p.Lys2898Glu). The lysine residue is highly conserved and there is a small physicochemical difference between lysine and glutamic acid.

NM_000051.4(ATM):c.8692A>G (p.Lys2898Glu)

Genes: ATM (ATM serine/threonine kinase; plus strand), C11orf65 (chromosome 11 open reading frame 65; minus strand). Cytogenetic location: 11q22.3.
Variant type: single nucleotide variant.
Coding change: c.8692A>G on transcript NM_000051.4 (MANE Select); coding-DNA position 8692, A replaced by G.
Protein change: p.Lys2898Glu; replaces lysine 2898 with glutamic acid.
Molecular consequence: missense variant. On other transcripts: intron variant (2).
Genome position (GRCh38, 1-based): chr11:108,353,786, A>G. VCF-style: chr11-108353786-A-G. GRCh37 (hg19) VCF-style: chr11-108224513-A-G.
Other names: c.8692A>G, p.Lys2898Glu (NM_001351834.2); c.640+32134T>C (NM_001330368.2); c.695-18494T>C (NM_001351110.2); short protein forms K2898E.
Identifiers: ClinVar variation 1506244 (VCV001506244.7), dbSNP rs2137287369, ClinGen allele CA382523634.